The following is an entry in ClinVar:

NM_002617.4(PEX10):c.13_28delinsCCGCCAGCACCTGCGCCGCC (p.Ala5fs)

Gene: PEX10 (peroxisomal biogenesis factor 10; minus strand). Cytogenetic location: 1p36.32.
Variant type: Indel.
Coding change: c.13_28delinsCCGCCAGCACCTGCGCCGCC on transcript NM_002617.4 (MANE Select); coding-DNA positions 13 to 28, GCCGCCAGCCCCCCGG replaced by CCGCCAGCACCTGCGCCGCC.
Protein change: p.Ala5fs; shifts the reading frame from alanine 5.
Molecular consequence: frameshift variant. On other transcripts: intron variant (2).
Genome position (GRCh38, 1-based): chr1:2,412,475-2,412,490, CCGGGGGGCTGGCGGC replaced by GGCGGCGCAGGTGCTGGCGG on the plus strand (GCCGCCAGCCCCCCGG replaced by CCGCCAGCACCTGCGCCGCC on the coding strand, the reverse complement: PEX10 is on the minus strand). GRCh37 (hg19): chr1:2,343,914-2,343,929.
Other names: c.13_28delGCCGCCAGCCCCCCGGinsCCGCCAGCACCTGCGCCGCC (NM_153818.1); c.13_28delinsCCGCCAGCACCTGCGCCGCC, p.Ala5fs (NM_001374425.1, NM_153818.2); c.-321+1107_-321+1122delinsCCGCCAGCACCTGCGCCGCC (NM_001374427.1, NM_001374426.1); short protein forms A5fs.
Identifiers: ClinVar variation 1804862 (VCV001804862.4), ClinGen allele CA2580062509.
Genomic context (GRCh38, chr1:2,412,475, plus strand): 5'-CCGCCGCGCTCCGCAGCCCACCGCGGTAGTACTCGTCCTTCTGCGCCGCGCGGATCACCT[CCGGGGGGCTGGCGGC>GGCGGCGCAGGTGCTGGCGG]GGCCGGGGCCATGGCCGCGGGTTCGGGTGGTCCCGAGCAGCCACGCCGGCCACGCCCACG-3'

ClinVar aggregate classification (germline): Pathogenic/Likely pathogenic. Review status: criteria provided, multiple submitters, no conflicts (2 of 4 stars). 4 submissions from 4 submitters: Pathogenic (3); Likely pathogenic (1). Last evaluated 2026-01-27.

Conditions:
Peroxisome biogenesis disorder. Identifiers: Orphanet 79189, MedGen C1832200, MONDO:0019234. Disease mechanism: loss of function.
Peroxisome biogenesis disorder 6A (Zellweger). Also called: Peroxisome biogenesis disorder 6A. Identifiers: Orphanet 912, MedGen C3553947, MONDO:0013936, OMIM 614870.
Peroxisome biogenesis disorder 6B (PBD6B). Identifiers: Orphanet 44, MedGen C3553948, MONDO:0013937, OMIM 614871.
Zellweger spectrum disorders (ZS). Also called: Zellweger Spectrum Disorder; Zellweger Spectrum; Zellweger Spectrum Disorder (ZSD); Zellweger syndrome. Identifiers: Orphanet 912, MedGen C0043459, MONDO:0019609.

Submissions (4):

Natera, Inc.
Classification: Pathogenic for Zellweger syndrome. Last evaluated: 2026-01-27. Review status: criteria provided, single submitter. Criteria: Natera Variant Classification Schema (03/2026). Collection method: clinical testing. Allele origin: germline.
Comment: The c.13_28delGCCGCCAGCCCCCCGGinsCCGCCAGCACCTGCGCCGCC variant in PEX10 is a frameshift variant predicted to shift the reading frame beginning at codon 5 and leads to a stop codon 47 codons downstream. This variant is expected to result in nonsense mediated decay, truncation, or a dysfunctional protein product. This variant is rare in the general population with a frequency below the threshold expected for the associated phenotype(s). This variant has been observed in one or more individuals affected with the associated recessive disease, as either homozygous or compound heterozygous with a second variant (PMID: 10862081). Given the available evidence, this variant is classified as Pathogenic.

Fulgent Genetics
Classification: Pathogenic for Peroxisome biogenesis disorder 6A (Zellweger); Peroxisome biogenesis disorder 6B. Last evaluated: 2023-12-20. Review status: criteria provided, single submitter. Criteria: ACMG Guidelines, 2015. Collection method: clinical testing. Allele origin: germline.

Baylor Genetics
Classification: Pathogenic for Peroxisome biogenesis disorder 6A (Zellweger). Last evaluated: 2023-05-05. Review status: criteria provided, single submitter. Criteria: ACMG Guidelines, 2015. Collection method: clinical testing. Allele origin: unknown.

Women's Health and Genetics/Laboratory Corporation of America, LabCorp
Classification: Likely pathogenic for Peroxisome biogenesis disorder. Last evaluated: 2022-11-15. Review status: criteria provided, single submitter. Criteria: LabCorp Variant Classification Summary - May 2015. Collection method: clinical testing. Allele origin: germline.
Comment: Variant summary: PEX10 c.13_28delins20 (c.13_28delinsCCGCCAGCACCTGCGCCGCC, p.Ala5ProfsX47) results in a premature termination codon, predicted to cause a truncation of the encoded protein or absence of the protein due to nonsense mediated decay, which are commonly known mechanisms for disease. Truncations downstream of this position have been classified as pathogenic by our laboratory. The variant was absent in 50774 control chromosomes. c.13_28delins20 has been reported in the literature in at least one individual affected with Zellweger Syndrome. To our knowledge, no experimental evidence demonstrating an impact on protein function has been reported. No clinical diagnostic laboratories have submitted clinical-significance assessments for this variant to ClinVar after 2014. Based on the evidence outlined above, the variant was classified as likely pathogenic.

Literature cited by the submitters: PubMed 10862081 (cited by Natera, Inc. and Women's Health and Genetics/Laboratory Corporation of America, LabCorp).